The following is an entry in ClinVar:

NM_003238.6(TGFB2):c.1228T>A (p.Ser410Thr)

Gene: TGFB2 (transforming growth factor beta 2; plus strand). Cytogenetic location: 1q41.
Variant type: single nucleotide variant.
Coding change: c.1228T>A on transcript NM_003238.6 (MANE Select); coding-DNA position 1228, T replaced by A.
Protein change: p.Ser410Thr; replaces serine 410 with threonine.
Molecular consequence: missense variant. On other transcripts: non-coding transcript variant (2).
Genome position (GRCh38, 1-based): chr1:218,441,345, T>A. VCF-style: chr1-218441345-T-A. GRCh37 (hg19) VCF-style: chr1-218614687-T-A.
Other names: c.1312T>A, p.Ser438Thr (NM_001135599.4); short protein forms S438T, S410T.
Identifiers: ClinVar variation 4745203 (VCV004745203.1).
Genomic context (GRCh38, chr1:218,441,345, plus strand): 5'-ATTCTCTACTACATTGGCAAAACACCCAAGATTGAACAGCTTTCTAATATGATTGTAAAG[T>A]CTTGCAAATGCAGCTAAAATTCTTGGAAAAGTGGCAAGACCAAAATGACAATGATGATGA-3'
Protein context (NP_003229.1, residues 400-414): IEQLSNMIVK[Ser410Thr]CKCS

ClinVar aggregate classification (germline): Uncertain significance (1 of 4 stars; one submission).

Conditions:
Loeys-Dietz syndrome 4 (LDS4). Also called: ANEURYSM, AORTIC AND CEREBRAL, WITH ARTERIAL TORTUOSITY AND SKELETAL MANIFESTATIONS; TGFB2-Related Loeys-Dietz Syndrome. Identifiers: MedGen C3553762, MONDO:0013897, OMIM 614816.

Submission:

Labcorp Genetics (formerly Invitae), Labcorp
Classification: Uncertain significance for Loeys-Dietz syndrome 4. Last evaluated: 2025-04-01. Review status: criteria provided, single submitter. Criteria: Invitae Variant Classification Sherloc (09022015). Collection method: clinical testing. Allele origin: germline.
Comment: This sequence change replaces serine, which is neutral and polar, with threonine, which is neutral and polar, at codon 410 of the TGFB2 protein (p.Ser410Thr). This variant is not present in population databases (gnomAD no frequency). This variant has not been reported in the literature in individuals affected with TGFB2-related conditions. Invitae Evidence Modeling of protein sequence and biophysical properties (such as structural, functional, and spatial information, amino acid conservation, physicochemical variation, residue mobility, and thermodynamic stability) indicates that this missense variant is not expected to disrupt TGFB2 protein function with a negative predictive value of 80%. In summary, the available evidence is currently insufficient to determine the role of this variant in disease. Therefore, it has been classified as a Variant of Uncertain Significance.